The following is an entry in ClinVar:

ClinVar aggregate classification (germline): Uncertain significance. Review status: criteria provided, multiple submitters, no conflicts (2 of 4 stars). 2 submissions from 2 submitters: Uncertain significance (2). Last evaluated 2025-10-15.

Conditions:
Inborn genetic diseases. Identifiers: MedGen C0950123, MeSH D030342.
Combined oxidative phosphorylation defect type 14. Also called: Combined oxidative phosphorylation deficiency 14. Identifiers: Orphanet 319519, MedGen C4755312, MONDO:0013986, OMIM 614946.

Allele frequency attached by ClinVar (database versions not stated): gnomAD 0.00001; gnomAD exomes 0.00001.
gnomAD v4.1: 13 of 1,613,982 alleles (0.00081%); highest among the groups gnomAD compares: Admixed American, 0.0017%; no homozygotes.

Submissions (2):

Labcorp Genetics (formerly Invitae), Labcorp
Classification: Uncertain significance for Combined oxidative phosphorylation defect type 14. Last evaluated: 2025-10-15. Review status: criteria provided, single submitter. Criteria: Invitae Variant Classification Sherloc (09022015). Collection method: clinical testing. Allele origin: germline.
Comment: This sequence change replaces arginine, which is basic and polar, with histidine, which is basic and polar, at codon 104 of the FARS2 protein (p.Arg104His). This variant is not present in population databases (gnomAD no frequency). This variant has not been reported in the literature in individuals affected with FARS2-related conditions. ClinVar contains an entry for this variant (Variation ID: 1980364). Invitae Evidence Modeling of protein sequence and biophysical properties (such as structural, functional, and spatial information, amino acid conservation, physicochemical variation, residue mobility, and thermodynamic stability) indicates that this missense variant is not expected to disrupt FARS2 protein function with a negative predictive value of 80%. In summary, the available evidence is currently insufficient to determine the role of this variant in disease. Therefore, it has been classified as a Variant of Uncertain Significance.

Ambry Genetics
Classification: Uncertain significance for Inborn genetic diseases. Last evaluated: 2025-09-10. Review status: criteria provided, single submitter. Criteria: Ambry Variant Classification Scheme 2023. Collection method: clinical testing. Allele origin: germline.

NM_006567.5(FARS2):c.311G>A (p.Arg104His)

Genes: FARS2 (phenylalanyl-tRNA synthetase 2, mitochondrial; plus strand), LOC126859565 (CDK7 strongly-dependent group 2 enhancer GRCh37_chr6:5368745-5369944; plus strand). Cytogenetic location: 6p25.1.
Variant type: single nucleotide variant.
Coding change: c.311G>A on transcript NM_006567.5 (MANE Select); coding-DNA position 311, G replaced by A.
Protein change: p.Arg104His; replaces arginine 104 with histidine.
Molecular consequence: missense variant. On other transcripts: intron variant (2).
Genome position (GRCh38, 1-based): chr6:5,368,881, G>A. VCF-style: chr6-5368881-G-A. GRCh37 (hg19) VCF-style: chr6-5369114-G-A.
Other names: c.311G>A, p.Arg104His (NM_001318872.2, NM_001374875.1, NM_001374876.1 and 5 more transcripts); c.-340-27752G>A (NM_001375260.1); c.-84-35661G>A (NM_001375259.1); c.311G>A (NM_006567.3); short protein forms R104H.
Identifiers: ClinVar variation 1980364 (VCV001980364.5), dbSNP rs1482988377, ClinGen allele CA362735013.